The following is an entry in ClinVar:

ClinVar aggregate classification (germline): Uncertain significance (1 of 4 stars; one submission).

Conditions:
Cardiovascular phenotype. Identifiers: MedGen CN230736.

gnomAD v4.1: 1 of 1,589,446 alleles (0.000063%); highest among the groups gnomAD compares: Non-Finnish European, 0.000085%; no homozygotes.

Submission:

Ambry Genetics
Classification: Uncertain significance for Cardiovascular phenotype. Last evaluated: 2026-03-12. Review status: criteria provided, single submitter. Criteria: Ambry Variant Classification Scheme 2023. Collection method: clinical testing. Allele origin: germline.
Comment: The p.L270P variant (also known as c.809T>C), located in coding exon 3 of the APOE gene, results from a T to C substitution at nucleotide position 809. The leucine at codon 270 is replaced by proline, an amino acid with similar properties. This amino acid position is conserved. In addition, this alteration is predicted to be tolerated by in silico analysis. Based on the available evidence, the clinical significance of this variant remains unclear.

NM_000041.4(APOE):c.809T>C (p.Leu270Pro)

Gene: APOE (apolipoprotein E; plus strand). Cytogenetic location: 19q13.32.
Variant type: single nucleotide variant.
Coding change: c.809T>C on transcript NM_000041.4 (MANE Select); coding-DNA position 809, T replaced by C.
Protein change: p.Leu270Pro; replaces leucine 270 with proline.
Molecular consequence: missense variant.
Genome position (GRCh38, 1-based): chr19:44,909,105, T>C. VCF-style: chr19-44909105-T-C. GRCh37 (hg19) VCF-style: chr19-45412362-T-C.
Other names: c.887T>C, p.Leu296Pro (NM_001302688.2); c.809T>C, p.Leu270Pro (NM_001302689.2, NM_001302690.2, NM_001302691.2); short protein forms L270P, L296P.
Identifiers: ClinVar variation 4826761 (VCV004826761.1).